The following is an entry in ClinVar:

NM_006440.5(TXNRD2):c.1090C>T (p.Arg364Trp)

Gene: TXNRD2 (thioredoxin reductase 2; minus strand). Cytogenetic location: 22q11.21.
Variant type: single nucleotide variant.
Coding change: c.1090C>T on transcript NM_006440.5 (MANE Select); coding-DNA position 1090, C replaced by T.
Protein change: p.Arg364Trp; replaces arginine 364 with tryptophan.
Molecular consequence: missense variant. On other transcripts: non-coding transcript variant (1).
Genome position (GRCh38, 1-based): chr22:19,880,714, G>A on the plus strand (C>T on the coding strand, the complement: TXNRD2 is on the minus strand). VCF-style: chr22-19880714-G-A. GRCh37 (hg19) VCF-style: chr22-19868237-G-A.
Other names: c.1087C>T, p.Arg363Trp (NM_001352300.2); c.1000C>T, p.Arg334Trp (NM_001352301.2); c.802C>T, p.Arg268Trp (NM_001352302.2); c.1090C>T (NM_006440.3); short protein forms R364W, R268W, R334W, R363W.
Identifiers: ClinVar variation 1395063 (VCV001395063.7), dbSNP rs772667712, ClinGen allele CA10103808.

ClinVar aggregate classification (germline): Uncertain significance. Review status: criteria provided, multiple submitters, no conflicts (2 of 4 stars). 2 submissions from 2 submitters: Uncertain significance (2). Last evaluated 2025-05-10.

Conditions:
Cardiovascular phenotype. Identifiers: MedGen CN230736.
Primary dilated cardiomyopathy (DCM). Also called: Dilated Cardiomyopathy. Identifiers: Orphanet 217604, MedGen C0007193, MeSH D002311, MONDO:0005021, HP:0001644. Inheritance: Various modes of inheritance.

Allele frequency attached by ClinVar (database versions not stated): ExAC 0.00002; gnomAD 0.00002; gnomAD exomes 0.00002; TOPMed 0.00002.
gnomAD v4.1: 33 of 1,608,318 alleles (0.0021%); highest among the groups gnomAD compares: Admixed American, 0.005%; no homozygotes.

Submissions (2):

Ambry Genetics
Classification: Uncertain significance for Cardiovascular phenotype. Last evaluated: 2025-05-10. Review status: criteria provided, single submitter. Criteria: Ambry Variant Classification Scheme 2023. Collection method: clinical testing. Allele origin: germline.
Comment: The p.R364W variant (also known as c.1090C>T), located in coding exon 13 of the TXNRD2 gene, results from a C to T substitution at nucleotide position 1090. The arginine at codon 364 is replaced by tryptophan, an amino acid with dissimilar properties. This amino acid position is conserved. In addition, the in silico prediction for this alteration is inconclusive. Based on the available evidence, the clinical significance of this variant remains unclear.

Labcorp Genetics (formerly Invitae), Labcorp
Classification: Uncertain significance for Primary dilated cardiomyopathy. Last evaluated: 2024-06-03. Review status: criteria provided, single submitter. Criteria: Invitae Variant Classification Sherloc (09022015). Collection method: clinical testing. Allele origin: germline.
Comment: This sequence change replaces arginine, which is basic and polar, with tryptophan, which is neutral and slightly polar, at codon 364 of the TXNRD2 protein (p.Arg364Trp). This variant is present in population databases (rs772667712, gnomAD 0.006%). This variant has not been reported in the literature in individuals affected with TXNRD2-related conditions. ClinVar contains an entry for this variant (Variation ID: 1395063). Advanced modeling of protein sequence and biophysical properties (such as structural, functional, and spatial information, amino acid conservation, physicochemical variation, residue mobility, and thermodynamic stability) performed at Invitae indicates that this missense variant is expected to disrupt TXNRD2 protein function with a positive predictive value of 80%. In summary, the available evidence is currently insufficient to determine the role of this variant in disease. Therefore, it has been classified as a Variant of Uncertain Significance.